The following is an entry in ClinVar:

ClinVar aggregate classification (germline): Uncertain significance (1 of 4 stars; one submission).

Conditions:
Hereditary cancer-predisposing syndrome. Also called: Neoplastic Syndromes, Hereditary; Tumor predisposition; Hereditary neoplastic syndrome; Hereditary Cancer Syndrome. Identifiers: Orphanet 140162, MedGen C0027672, MeSH D009386, MONDO:0015356.

Submission:

Ambry Genetics
Classification: Uncertain significance for Hereditary cancer-predisposing syndrome. Last evaluated: 2026-07-02. Review status: criteria provided, single submitter. Criteria: Ambry Variant Classification Scheme 2023. Collection method: clinical testing. Allele origin: germline.
Comment: The p.F134V variant (also known as c.400T>G), located in coding exon 5 of the SDHC gene, results from a T to G substitution at nucleotide position 400. The phenylalanine at codon 134 is replaced by valine, an amino acid with highly similar properties. This amino acid position is conserved. In addition, the in silico prediction for this alteration is inconclusive. Based on the available evidence, the clinical significance of this variant remains unclear.

NM_003001.5(SDHC):c.*54T>G

Gene: SDHC (succinate dehydrogenase complex subunit C; plus strand). Cytogenetic location: 1q23.3.
Variant type: single nucleotide variant.
Coding change: c.*54T>G on transcript NM_003001.5 (MANE Select); 54 bases downstream of the stop codon, T replaced by G.
Molecular consequence: 3 prime UTR variant. On other transcripts: missense variant (3), non-coding transcript variant (1).
Genome position (GRCh38, 1-based): chr1:161,362,487, T>G. VCF-style: chr1-161362487-T-G. GRCh37 (hg19) VCF-style: chr1-161332277-T-G.
Other names: c.400T>G, p.Phe134Val (NM_001035511.3); c.*54T>G (NM_001035512.3, NM_001035513.3, NM_001407115.1 and 5 more transcripts); c.298T>G, p.Phe100Val (NM_001278172.3); c.343T>G, p.Phe115Val (NM_001407121.1); short protein forms F115V, F100V, F134V.
Identifiers: ClinVar variation 5029303 (VCV005029303.1).